The following is an entry in ClinVar:

NM_173689.7(CRB2):c.1813C>T (p.Arg605Cys)

Gene: CRB2 (crumbs cell polarity complex component 2; plus strand). Cytogenetic location: 9q33.3.
Variant type: single nucleotide variant.
Coding change: c.1813C>T on transcript NM_173689.7 (MANE Select); coding-DNA position 1813, C replaced by T.
Protein change: p.Arg605Cys; replaces arginine 605 with cysteine.
Molecular consequence: missense variant. On other transcripts: non-coding transcript variant (1).
Genome position (GRCh38, 1-based): chr9:123,370,866, C>T. VCF-style: chr9-123370866-C-T. GRCh37 (hg19) VCF-style: chr9-126133145-C-T.
Other names: short protein forms R605C.
Identifiers: ClinVar variation 2070242 (VCV002070242.6), dbSNP rs778681490, ClinGen allele CA5232052.

ClinVar aggregate classification (germline): Uncertain significance. Review status: criteria provided, multiple submitters, no conflicts (2 of 4 stars). 2 submissions from 2 submitters: Uncertain significance (2). Last evaluated 2023-12-01.

Conditions:
Focal segmental glomerulosclerosis 9 (FSGS9). Identifiers: Orphanet 656, MedGen C4015555, MONDO:0014539, OMIM 616220.

Allele frequency attached by ClinVar (database versions not stated): gnomAD exomes 0.00001; TOPMed 0.00001; gnomAD 0.00001; ExAC 0.00002.
gnomAD v4.1: 21 of 1,610,184 alleles (0.0013%); highest among the groups gnomAD compares: South Asian, 0.0022%; no homozygotes.

Submissions (2):

Precision Medicine Center, Zhengzhou University
Classification: Uncertain significance for Focal segmental glomerulosclerosis 9. Last evaluated: 2023-12-01. Review status: criteria provided, single submitter. Criteria: ACMG Guidelines, 2015. Collection method: clinical testing. Allele origin: biparental. Affected: yes.
Comment: PM1,PM2_p,PP3

Labcorp Genetics (formerly Invitae), Labcorp
Classification: Uncertain significance. Last evaluated: 2022-04-01. Review status: criteria provided, single submitter. Criteria: Invitae Variant Classification Sherloc (09022015). Collection method: clinical testing. Allele origin: germline.
Comment: In summary, the available evidence is currently insufficient to determine the role of this variant in disease. Therefore, it has been classified as a Variant of Uncertain Significance. Advanced modeling of protein sequence and biophysical properties (such as structural, functional, and spatial information, amino acid conservation, physicochemical variation, residue mobility, and thermodynamic stability) performed at Invitae indicates that this missense variant is not expected to disrupt CRB2 protein function. This variant has not been reported in the literature in individuals affected with CRB2-related conditions. The frequency data for this variant in the population databases is considered unreliable, as metrics indicate poor data quality at this position in the gnomAD database. This sequence change replaces arginine, which is basic and polar, with cysteine, which is neutral and slightly polar, at codon 605 of the CRB2 protein (p.Arg605Cys).